The following is an entry in ClinVar:

ClinVar aggregate classification (germline): Uncertain significance. Review status: criteria provided, multiple submitters, no conflicts (2 of 4 stars). 2 submissions from 2 submitters: Uncertain significance (2). Last evaluated 2025-01-06.

Conditions:
Hereditary cancer-predisposing syndrome. Also called: Tumor predisposition; Hereditary Cancer Syndrome; Hereditary neoplastic syndrome; Neoplastic Syndromes, Hereditary. Identifiers: Orphanet 140162, MedGen C0027672, MeSH D009386, MONDO:0015356.

Submissions (2):

Ambry Genetics
Classification: Uncertain significance for Hereditary cancer-predisposing syndrome. Last evaluated: 2025-01-06. Review status: criteria provided, single submitter. Criteria: Ambry Variant Classification Scheme 2023. Collection method: clinical testing. Allele origin: germline.
Comment: The p.S520R variant (also known as c.1560T>A), located in coding exon 10 of the BRIP1 gene, results from a T to A substitution at nucleotide position 1560. The serine at codon 520 is replaced by arginine, an amino acid with dissimilar properties. This amino acid position is highly conserved in available vertebrate species. In addition, this alteration is predicted to be deleterious by in silico analysis. Since supporting evidence is limited at this time, the clinical significance of this alteration remains unclear.

GeneDx
Classification: Uncertain significance. Last evaluated: 2014-08-15. Review status: criteria provided, single submitter. Criteria: GeneDx Variant Classification (06012015). Collection method: clinical testing. Allele origin: germline. Affected: yes.
Comment: This variant is denoted BRIP1 c.1560T>A at the cDNA level, p.Ser520Arg (S520R) at the protein level, and results in the change of a Serine to an Arginine (AGT>AGA). This variant has not, to our knowledge, been published in the literature as pathogenic or benign. BRIP1 Ser520Arg was not observed in approximately 6,500 individuals of European and African American ancestry in the NHLBI Exome Sequencing Project, indicating it is not a common benign variant in these populations. Since Serine and Arginine differ in some properties, this is considered a semi-conservative amino acid substitution. BRIP1 Ser520Arg occurs at a position that is highly conserved across species and is located in the helicase domain (Cantor 2011). In silico analyses predict that this variant is probably damaging to protein structure and function. Based on currently available information, it is unclear whether BRIP1 Ser520Arg is pathogenic or benign. We consider it to be a variant of uncertain significance.

NM_032043.3(BRIP1):c.1560T>A (p.Ser520Arg)

Gene: BRIP1 (BRCA1 interacting DNA helicase 1; minus strand). Cytogenetic location: 17q23.2.
Variant type: single nucleotide variant.
Coding change: c.1560T>A on transcript NM_032043.3 (MANE Select); coding-DNA position 1560, T replaced by A.
Protein change: p.Ser520Arg; replaces serine 520 with arginine.
Molecular consequence: missense variant.
Genome position (GRCh38, 1-based): chr17:61,784,338, A>T on the plus strand (T>A on the coding strand, the complement: BRIP1 is on the minus strand). VCF-style: chr17-61784338-A-T. GRCh37 (hg19) VCF-style: chr17-59861699-A-T.
Other names: p.S520R:AGT>AGA; short protein forms S520R.
Identifiers: ClinVar variation 182351 (VCV000182351.7), dbSNP rs730881638, ClinGen allele CA298887.